The following is an entry in ClinVar:

ClinVar aggregate classification (germline): Conflicting classifications of pathogenicity. Review status: criteria provided, conflicting classifications (1 of 4 stars). 4 submissions from 4 submitters: Uncertain significance (1); Likely benign (1). 2 of the submissions do not count toward it. Last evaluated 2025-10-29.

Conditions:
Finnish congenital nephrotic syndrome (NPHS1). Also called: NEPHROTIC SYNDROME, TYPE 1. Identifiers: Orphanet 839, MedGen C0403399, MONDO:0009732, OMIM 256300.
NPHS1-related disorder. Also called: NPHS1-related condition.
Congenital nephrotic syndrome. Also called: Familial nephrotic syndrome. Identifiers: MedGen C3501848, MeSH C535761, MONDO:0002350, HP:0008677.

Allele frequency attached by ClinVar (database versions not stated): ExAC 0.00004; gnomAD 0.00004; gnomAD exomes 0.00004 and 0.00008; TOPMed 0.00004; ESP Exome Variant Server 0.00008.

Submissions (4):

Labcorp Genetics (formerly Invitae), Labcorp
Classification: Likely benign. Last evaluated: 2025-10-29. Review status: criteria provided, single submitter. Criteria: Invitae Variant Classification Sherloc (09022015). Collection method: clinical testing. Allele origin: germline.

Illumina Laboratory Services, Illumina
Classification: Uncertain significance for Congenital nephrotic syndrome. Last evaluated: 2018-01-13. Review status: criteria provided, single submitter. Criteria: ICSL Variant Classification Criteria 13 December 2019. Collection method: clinical testing. Allele origin: germline.

Natera, Inc.
Classification: Likely benign for Finnish congenital nephrotic syndrome. Last evaluated: 2020-05-29. Review status: no assertion criteria provided. Collection method: clinical testing. Allele origin: germline. Not counted in ClinVar's aggregate classification.

PreventionGenetics, part of Exact Sciences
Classification: Likely benign for NPHS1-related condition. Last evaluated: 2019-08-11. Review status: no assertion criteria provided. Collection method: clinical testing. Allele origin: germline. Not counted in ClinVar's aggregate classification.
Comment: This variant is classified as likely benign based on ACMG/AMP sequence variant interpretation guidelines (Richards et al. 2015 PMID: 25741868, with internal and published modifications).

NM_004646.4(NPHS1):c.2961T>C (p.Tyr987=)

Gene: NPHS1 (NPHS1 adhesion molecule, nephrin; minus strand). Cytogenetic location: 19q13.12.
Variant type: single nucleotide variant.
Coding change: c.2961T>C on transcript NM_004646.4 (MANE Select); coding-DNA position 2961, T replaced by C.
Protein change: p.Tyr987=; no amino-acid change (tyrosine 987 retained).
Molecular consequence: synonymous variant.
Genome position (GRCh38, 1-based): chr19:35,839,385, A>G on the plus strand (T>C on the coding strand, the complement: NPHS1 is on the minus strand). VCF-style: chr19-35839385-A-G. GRCh37 (hg19) VCF-style: chr19-36330287-A-G.
Identifiers: ClinVar variation 328859 (VCV000328859.18), dbSNP rs201263480, ClinGen allele CA9389963.
Genomic context (GRCh38, chr19:35,839,385, plus strand): 5'-TGTAGAAGGCTGTAGACCAGTCAGCGTGAAGGTGGTGGCCTGGGGTGGTACGACATCCAC[A>G]TAGTGGAACCCTGGAGTCCCCAGGGCCTCATACCTGCAGGACAGGGGGATAGTAAATTCA-3'
Protein context (NP_004637.1, residues 977-997): YEALGTPGFH[Tyr987=]VDVVPPQATT